The following is an entry in ClinVar:

ClinVar aggregate classification (germline): Likely benign. Review status: criteria provided, single submitter (1 of 4 stars). 2 submissions from 2 submitters: Likely benign (1). 1 of the submissions does not count toward it.

Conditions:
KLKB1-related disorder. Also called: KLKB1-related condition.

Allele frequency attached by ClinVar (database versions not stated): ExAC 0.00058; gnomAD 0.00151; ESP Exome Variant Server 0.00154; 1000 Genomes Project 30x 0.00156; 1000 Genomes Project 0.00160; TOPMed 0.00184.
gnomAD v4.1: 470 of 1,613,846 alleles (0.029%); highest among the groups gnomAD compares: African/African-American, 0.54%; 2 homozygotes.

Submissions (2):

Breakthrough Genomics
Classification: Likely benign. Review status: criteria provided, single submitter. Criteria: ACMG Guidelines, 2015. Collection method: not provided. Allele origin: germline. Inheritance: Autosomal recessive inheritance. Affected: yes.

PreventionGenetics, part of Exact Sciences
Classification: Likely benign for KLKB1-related condition. Last evaluated: 2019-11-25. Review status: no assertion criteria provided. Collection method: clinical testing. Allele origin: germline. Not counted in ClinVar's aggregate classification.
Comment: This variant is classified as likely benign based on ACMG/AMP sequence variant interpretation guidelines (Richards et al. 2015 PMID: 25741868, with internal and published modifications).

NM_000892.5(KLKB1):c.1296T>C (p.Ala432=)

Gene: KLKB1 (kallikrein B1; plus strand). Cytogenetic location: 4q35.2.
Variant type: single nucleotide variant.
Coding change: c.1296T>C on transcript NM_000892.5 (MANE Select); coding-DNA position 1296, T replaced by C.
Protein change: p.Ala432=; no amino-acid change (alanine 432 retained).
Molecular consequence: synonymous variant.
Genome position (GRCh38, 1-based): chr4:186,252,168, T>C. VCF-style: chr4-186252168-T-C. GRCh37 (hg19) VCF-style: chr4-187173322-T-C.
Other names: c.1182T>C, p.Ala394= (NM_001318394.2); c.690T>C, p.Ala230= (NM_001318396.2).
Identifiers: ClinVar variation 3048073 (VCV003048073.3), dbSNP rs148974369, ClinGen allele CA3163345.